The following is an entry in ClinVar:

ClinVar aggregate classification (germline): Likely benign (1 of 4 stars; one submission).

Allele frequency attached by ClinVar (database versions not stated): gnomAD exomes below 0.00001.
gnomAD v4.1: 1 of 1,614,032 alleles (0.000062%); highest among the groups gnomAD compares: Non-Finnish European, 0.000085%; no homozygotes.

Submission:

CeGaT Center for Human Genetics Tuebingen
Classification: Likely benign. Last evaluated: 2022-12-01. Review status: criteria provided, single submitter. Criteria: CeGaT Center For Human Genetics Tuebingen Variant Classification Criteria Version 2. Collection method: clinical testing. Allele origin: germline. Affected: yes. Observed: 1 variant allele.
Comment: PPP2R1A: BP4, BP7

NM_014225.6(PPP2R1A):c.1335C>T (p.Ser445=)

Gene: PPP2R1A (protein phosphatase 2 scaffold subunit Aalpha; plus strand). Cytogenetic location: 19q13.41.
Variant type: single nucleotide variant.
Coding change: c.1335C>T on transcript NM_014225.6 (MANE Select); coding-DNA position 1335, C replaced by T.
Protein change: p.Ser445=; no amino-acid change (serine 445 retained).
Molecular consequence: synonymous variant. On other transcripts: non-coding transcript variant (1).
Genome position (GRCh38, 1-based): chr19:52,220,221, C>T. VCF-style: chr19-52220221-C-T. GRCh37 (hg19) VCF-style: chr19-52723474-C-T.
Other names: c.798C>T, p.Ser266= (NM_001363656.2).
Identifiers: ClinVar variation 2650387 (VCV002650387.24), dbSNP rs1298281898, ClinGen allele CA508635681.